The following is an entry in ClinVar:

ClinVar aggregate classification (germline): Uncertain significance (1 of 4 stars; one submission).

Conditions:
Hypertrophic cardiomyopathy 26. Also called: Cardiomyopathy, familial hypertrophic, 26. Identifiers: Orphanet 75249, MedGen C4310749, MONDO:0014883, OMIM 617047.
Myofibrillar myopathy 5. Also called: Filaminopathy (type); FILAMINOPATHY, AUTOSOMAL DOMINANT. Identifiers: Orphanet 171445, MedGen C1836050, MONDO:0012289, OMIM 609524.
Distal myopathy with posterior leg and anterior hand involvement. Also called: WILLIAMS DISTAL MYOPATHY. Identifiers: Orphanet 63273, MedGen C3279722, MONDO:0013550, OMIM 614065.

Submission:

Labcorp Genetics (formerly Invitae), Labcorp
Classification: Uncertain significance for Distal myopathy with posterior leg and anterior hand involvement; Myofibrillar myopathy 5; Hypertrophic cardiomyopathy 26. Last evaluated: 2025-08-10. Review status: criteria provided, single submitter. Criteria: Invitae Variant Classification Sherloc (09022015). Collection method: clinical testing. Allele origin: germline.
Comment: This sequence change replaces proline, which is neutral and non-polar, with leucine, which is neutral and non-polar, at codon 2580 of the FLNC protein (p.Pro2580Leu). This variant is not present in population databases (gnomAD no frequency). This variant has not been reported in the literature in individuals affected with FLNC-related conditions. Invitae Evidence Modeling of protein sequence and biophysical properties (such as structural, functional, and spatial information, amino acid conservation, physicochemical variation, residue mobility, and thermodynamic stability) indicates that this missense variant is not expected to disrupt FLNC protein function with a negative predictive value of 95%. In summary, the available evidence is currently insufficient to determine the role of this variant in disease. Therefore, it has been classified as a Variant of Uncertain Significance.

NM_001458.5(FLNC):c.7739C>T (p.Pro2580Leu)

Genes: FLNC-AS1 (FLNC antisense RNA 1; minus strand), FLNC (filamin C; plus strand). Cytogenetic location: 7q32.1.
Variant type: single nucleotide variant.
Coding change: c.7739C>T on transcript NM_001458.5 (MANE Select); coding-DNA position 7739, C replaced by T.
Protein change: p.Pro2580Leu; replaces proline 2580 with leucine.
Molecular consequence: missense variant.
Genome position (GRCh38, 1-based): chr7:128,857,295, C>T. VCF-style: chr7-128857295-C-T. GRCh37 (hg19) VCF-style: chr7-128497349-C-T.
Other names: c.7640C>T, p.Pro2547Leu (NM_001127487.2); short protein forms P2547L, P2580L.
Identifiers: ClinVar variation 4812810 (VCV004812810.1).
Genomic context (GRCh38, chr7:128,857,295, plus strand): 5'-TGGTCACTTATACTCCCATGGCCCCTGGCAACTACCTCATTGCCATCAAGTACGGTGGCC[C>T]CCAGCACATCGTGGGCAGCCCCTTCAAGGCCAAGGTCACTGGTGAGTGCCAGTTTGGGGG-3'
Protein context (NP_001449.3, residues 2570-2590): NYLIAIKYGG[Pro2580Leu]QHIVGSPFKA